The following is an entry in ClinVar:

ClinVar aggregate classification (germline): Uncertain significance. Review status: criteria provided, multiple submitters, no conflicts (2 of 4 stars). 2 submissions from 2 submitters: Uncertain significance (2). Last evaluated 2025-08-13.

Conditions:
Hereditary cancer-predisposing syndrome. Also called: Tumor predisposition; Hereditary Cancer Syndrome; Neoplastic Syndromes, Hereditary; Hereditary neoplastic syndrome. Identifiers: Orphanet 140162, MedGen C0027672, MeSH D009386, MONDO:0015356.
Multiple endocrine neoplasia, type 2 (MEN2). Identifiers: Orphanet 653, MedGen C4048306, MONDO:0019003. Disease mechanism: gain of function.

Submissions (2):

Ambry Genetics
Classification: Uncertain significance for Hereditary cancer-predisposing syndrome. Last evaluated: 2025-08-13. Review status: criteria provided, single submitter. Criteria: Ambry Variant Classification Scheme 2023. Collection method: clinical testing. Allele origin: germline.
Comment: The p.D850V variant (also known as c.2549A>T), located in coding exon 14 of the RET gene, results from an A to T substitution at nucleotide position 2549. The aspartic acid at codon 850 is replaced by valine, an amino acid with highly dissimilar properties. This amino acid position is highly conserved in available vertebrate species. In addition, this alteration is predicted to be deleterious by in silico analysis. Based on the available evidence, the clinical significance of this variant remains unclear.

Labcorp Genetics (formerly Invitae), Labcorp
Classification: Uncertain significance for Multiple endocrine neoplasia, type 2. Last evaluated: 2022-05-27. Review status: criteria provided, single submitter. Criteria: Invitae Variant Classification Sherloc (09022015). Collection method: clinical testing. Allele origin: germline.
Comment: This sequence change replaces aspartic acid, which is acidic and polar, with valine, which is neutral and non-polar, at codon 850 of the RET protein (p.Asp850Val). This variant is not present in population databases (gnomAD no frequency). This variant has not been reported in the literature in individuals affected with RET-related conditions. Algorithms developed to predict the effect of missense changes on protein structure and function are either unavailable or do not agree on the potential impact of this missense change (SIFT: "Deleterious"; PolyPhen-2: "Probably Damaging"; Align-GVGD: "Class C0"). In summary, the available evidence is currently insufficient to determine the role of this variant in disease. Therefore, it has been classified as a Variant of Uncertain Significance.

NM_020975.6(RET):c.2549A>T (p.Asp850Val)

Gene: RET (ret proto-oncogene; plus strand). Cytogenetic location: 10q11.21.
Variant type: single nucleotide variant.
Coding change: c.2549A>T on transcript NM_020975.6 (MANE Select); coding-DNA position 2549, A replaced by T.
Protein change: p.Asp850Val; replaces aspartic acid 850 with valine.
Molecular consequence: missense variant.
Genome position (GRCh38, 1-based): chr10:43,119,687, A>T. VCF-style: chr10-43119687-A-T. GRCh37 (hg19) VCF-style: chr10-43615135-A-T.
Other names: c.2549A>T, p.Asp850Val (NM_000323.2, NM_001406743.1, NM_001406744.1 and 4 more transcripts); c.1787A>T, p.Asp596Val (NM_001355216.2); c.2420A>T, p.Asp807Val (NM_001406761.1, NM_001406762.1, NM_001406764.1); c.2414A>T, p.Asp805Val (NM_001406763.1, NM_001406765.1); c.2261A>T, p.Asp754Val (NM_001406766.1, NM_001406767.1, NM_001406770.1); c.2285A>T, p.Asp762Val (NM_001406768.1); c.2153A>T, p.Asp718Val (NM_001406769.1, NM_001406772.1); c.2111A>T, p.Asp704Val (NM_001406771.1, NM_001406773.1); and 10 more; short protein forms D506V, D551V, D675V, D762V, D807V, D367V, D508V, D520V.
Identifiers: ClinVar variation 1792911 (VCV001792911.9), dbSNP rs2132949079, ClinGen allele CA376556545.